The following is an entry in ClinVar:

ClinVar aggregate classification (germline): Benign (1 of 4 stars; one submission).

Conditions:
Amyotrophic lateral sclerosis type 21. Also called: VOCAL CORD AND PHARYNGEAL DYSFUNCTION WITH DISTAL MYOPATHY; MYOPATHY, DISTAL, 2. Identifiers: Orphanet 600, Orphanet 803, MedGen C3807521, MONDO:0011632, OMIM 606070.

Allele frequency attached by ClinVar (database versions not stated): TOPMed 0.00350; 1000 Genomes Project 30x 0.00765; 1000 Genomes Project 0.00779; ExAC 0.03038.
gnomAD v4.1: 4,658 of 454,402 alleles (1%); highest among the groups gnomAD compares: South Asian, 4.7%; 109 homozygotes.

Submission:

Illumina Laboratory Services, Illumina
Classification: Benign for Amyotrophic lateral sclerosis type 21. Last evaluated: 2018-01-12. Review status: criteria provided, single submitter. Criteria: ICSL Variant Classification Criteria 13 December 2019. Collection method: clinical testing. Allele origin: germline.
Comment: This variant was observed in the ICSL laboratory as part of a predisposition screen in an ostensibly healthy population. It had not been previously curated by ICSL or reported in the Human Gene Mutation Database (HGMD: prior to June 1st, 2018), and was therefore a candidate for classification through an automated scoring system. Utilizing variant allele frequency, disease prevalence and penetrance estimates, and inheritance mode, an automated score was calculated to assess if this variant is too frequent to cause the disease. Based on the score and internal cut-off values, a variant classified as benign is not then subjected to further curation. The score for this variant resulted in a classification of benign for this disease.

NM_018834.6(MATR3):c.*640A>G

Gene: MATR3 (matrin 3; plus strand). Cytogenetic location: 5q31.2.
Variant type: single nucleotide variant.
Coding change: c.*640A>G on transcript NM_018834.6 (MANE Select); 640 bases downstream of the stop codon, A replaced by G.
Molecular consequence: 3 prime UTR variant.
Genome position (GRCh38, 1-based): chr5:139,330,035, A>G. VCF-style: chr5-139330035-A-G. GRCh37 (hg19) VCF-style: chr5-138665724-A-G.
Other names: c.*640A>G (NM_001194954.2, NM_001194955.2, NM_001194956.2 and 2 more transcripts).
Identifiers: ClinVar variation 351157 (VCV000351157.5), dbSNP rs145836548, ClinGen allele CA3433564.